The following is an entry in ClinVar:

NM_001267550.2(TTN):c.73911G>A (p.Trp24637Ter)

Genes: TTN-AS1 (TTN antisense RNA 1; plus strand), TTN (titin; minus strand). Cytogenetic location: 2q31.2.
Variant type: single nucleotide variant.
Coding change: c.73911G>A on transcript NM_001267550.2 (MANE Select); coding-DNA position 73911, G replaced by A.
Protein change: p.Trp24637Ter; replaces tryptophan 24637 with a stop codon.
Molecular consequence: nonsense.
Genome position (GRCh38, 1-based): chr2:178,572,221, C>T on the plus strand (G>A on the coding strand, the complement: TTN is on the minus strand). VCF-style: chr2-178572221-C-T. GRCh37 (hg19) VCF-style: chr2-179436948-C-T.
Other names: c.68988G>A, p.Trp22996Ter (NM_001256850.1); c.46716G>A, p.Trp15572Ter (NM_003319.4); c.66207G>A, p.Trp22069Ter (NM_133378.4); c.47091G>A, p.Trp15697Ter (NM_133432.3); c.47292G>A, p.Trp15764Ter (NM_133437.4); short protein forms W22069*, W22996*, W15572*, W15764*, W15697*, W24637*.
Identifiers: ClinVar variation 933436 (VCV000933436.10), dbSNP rs1708468046, ClinGen allele CA349636371.
Genomic context (GRCh38, chr2:178,572,221, plus strand): 5'-GGTCTGCATCTCCACAATGTAGCCTAGAATTCGGCTGCCTCCATCATGCTCTGGTTTCTC[C>T]CAAGAGAGTGACACACTATTTCTTGTGACATCCATCAAAGTTATTTTTCCTGGAGGAAGA-3'

ClinVar aggregate classification (germline): Likely pathogenic (1 of 4 stars; one submission).

Conditions:
Dilated cardiomyopathy 1G (CMD1G). Identifiers: Orphanet 154, MedGen C1858763, MONDO:0011400, OMIM 604145.
Autosomal recessive limb-girdle muscular dystrophy type 2J (LGMDR10). Also called: Limb-girdle muscular dystrophy, type 2J; MUSCULAR DYSTROPHY, LIMB-GIRDLE, AUTOSOMAL RECESSIVE 10. Identifiers: Orphanet 140922, MedGen C1837342, MONDO:0012127, OMIM 608807.

Submission:

Labcorp Genetics (formerly Invitae), Labcorp
Classification: Likely pathogenic for Dilated cardiomyopathy 1G; Autosomal recessive limb-girdle muscular dystrophy type 2J. Last evaluated: 2024-02-01. Review status: criteria provided, single submitter. Criteria: Invitae Variant Classification Sherloc (09022015). Collection method: clinical testing. Allele origin: germline.
Comment: This sequence change creates a premature translational stop signal (p.Trp24637*) in the TTN gene. While this is not anticipated to result in nonsense mediated decay, it is expected to create a truncated TTN protein. This variant is not present in population databases (gnomAD no frequency). This premature translational stop signal has been observed in individual(s) with dilated cardiomyopathy (Invitae). ClinVar contains an entry for this variant (Variation ID: 933436). This variant is located in the A band of TTN (PMID: 25589632). Truncating variants in this region are significantly overrepresented in patients affected with dilated cardiomyopathy (PMID: 25589632). Truncating variants in this region have also been reported in individuals affected with autosomal recessive centronuclear myopathy (PMID: 23975875). In summary, the currently available evidence indicates that the variant is pathogenic, but additional data are needed to prove that conclusively. Therefore, this variant has been classified as Likely Pathogenic.

Literature cited by the submitters: PubMed 25589632; PubMed 23975875.